The following is an entry in ClinVar:

ClinVar aggregate classification (germline): Uncertain significance (1 of 4 stars; one submission).

Submission:

CeGaT Center for Human Genetics Tuebingen
Classification: Uncertain significance. Last evaluated: 2026-07-01. Review status: criteria provided, single submitter. Criteria: CeGaT Center For Human Genetics Tuebingen Variant Classification Criteria Version 2. Collection method: clinical testing. Allele origin: germline. Affected: yes. Observed: 2 variant alleles.
Comment: PNPT1: PM2

NM_033109.5(PNPT1):c.755C>T (p.Thr252Ile)

Gene: PNPT1 (polyribonucleotide nucleotidyltransferase 1; minus strand). Cytogenetic location: 2p16.1.
Variant type: single nucleotide variant.
Coding change: c.755C>T on transcript NM_033109.5 (MANE Select); coding-DNA position 755, C replaced by T.
Protein change: p.Thr252Ile; replaces threonine 252 with isoleucine.
Molecular consequence: missense variant.
Genome position (GRCh38, 1-based): chr2:55,673,004, G>A on the plus strand (C>T on the coding strand, the complement: PNPT1 is on the minus strand). VCF-style: chr2-55673004-G-A. GRCh37 (hg19) VCF-style: chr2-55900139-G-A.
Other names: short protein forms T252I.
Identifiers: ClinVar variation 5040202 (VCV005040202.1).
Genomic context (GRCh38, chr2:55,673,004, plus strand): 5'-GTCCTCTTGGTAACACCAGTTTCTTTTACCAACTGCTGAATGCCCTGAATTATTTGTTGG[G>A]TATATTTCACTCCCACTTTGATAGCATGGCAAAAGTCCTGCTGTAAAATGTTCTCTGCAG-3'
Protein context (NP_149100.2, residues 242-262): CHAIKVGVKY[Thr252Ile]QQIIQGIQQL